The following is an entry in ClinVar:

NM_004172.5(SLC1A3):c.155T>C (p.Leu52Pro)

Gene: SLC1A3 (solute carrier family 1 member 3; plus strand). Cytogenetic location: 5p13.2.
Variant type: single nucleotide variant.
Coding change: c.155T>C on transcript NM_004172.5 (MANE Select); coding-DNA position 155, T replaced by C.
Protein change: p.Leu52Pro; replaces leucine 52 with proline.
Molecular consequence: missense variant.
Genome position (GRCh38, 1-based): chr5:36,608,578, T>C. VCF-style: chr5-36608578-T-C. GRCh37 (hg19) VCF-style: chr5-36608680-T-C.
Other names: c.155T>C, p.Leu52Pro (NM_001166695.3, NM_001166696.3, NM_001289939.2 and 1 more transcripts); short protein forms L52P.
Identifiers: ClinVar variation 3011490 (VCV003011490.3), dbSNP rs138011127, ClinGen allele CA3235331.

ClinVar aggregate classification (germline): Uncertain significance (1 of 4 stars; one submission).

Allele frequency attached by ClinVar (database versions not stated): gnomAD exomes below 0.00001; ExAC 0.00001; gnomAD 0.00001; TOPMed 0.00001; ESP Exome Variant Server 0.00008.
gnomAD v4.1: 3 of 1,613,864 alleles (0.00019%); highest among the groups gnomAD compares: African/African-American, 0.0027%; no homozygotes.

Submission:

Labcorp Genetics (formerly Invitae), Labcorp
Classification: Uncertain significance. Last evaluated: 2023-04-10. Review status: criteria provided, single submitter. Criteria: Invitae Variant Classification Sherloc (09022015). Collection method: clinical testing. Allele origin: germline.
Comment: This sequence change replaces leucine, which is neutral and non-polar, with proline, which is neutral and non-polar, at codon 52 of the SLC1A3 protein (p.Leu52Pro). This variant is not present in population databases (gnomAD no frequency). This variant has not been reported in the literature in individuals affected with SLC1A3-related conditions. Advanced modeling of protein sequence and biophysical properties (such as structural, functional, and spatial information, amino acid conservation, physicochemical variation, residue mobility, and thermodynamic stability) performed at Invitae indicates that this missense variant is not expected to disrupt SLC1A3 protein function. In summary, the available evidence is currently insufficient to determine the role of this variant in disease. Therefore, it has been classified as a Variant of Uncertain Significance.